The following is an entry in ClinVar:

ClinVar aggregate classification (germline): Uncertain significance (1 of 4 stars; one submission).

Conditions:
Multiple congenital anomalies-hypotonia-seizures syndrome 1 (MCAHS1). Also called: PIGN-CDG; Congenital disorder of glycosylation due to PIGN deficiency; GLYCOSYLPHOSPHATIDYLINOSITOL BIOSYNTHESIS DEFECT 3. Identifiers: Orphanet 280633, MedGen C3279775, MONDO:0013563, OMIM 614080.

Submission:

Labcorp Genetics (formerly Invitae), Labcorp
Classification: Uncertain significance for Multiple congenital anomalies-hypotonia-seizures syndrome 1. Last evaluated: 2022-10-14. Review status: criteria provided, single submitter. Criteria: Invitae Variant Classification Sherloc (09022015). Collection method: clinical testing. Allele origin: germline.
Comment: In summary, the available evidence is currently insufficient to determine the role of this variant in disease. Therefore, it has been classified as a Variant of Uncertain Significance. Algorithms developed to predict the effect of missense changes on protein structure and function are either unavailable or do not agree on the potential impact of this missense change (SIFT: "Not Available"; PolyPhen-2: "Benign"; Align-GVGD: "Not Available"). ClinVar contains an entry for this variant (Variation ID: 1383509). This variant has not been reported in the literature in individuals affected with PIGN-related conditions. This variant is not present in population databases (gnomAD no frequency). This sequence change replaces valine with alanine at codon 418 of the PIGN protein (p.Val418Ala). The valine residue is weakly conserved and there is a small physicochemical difference between valine and alanine.

NM_176787.5(PIGN):c.1253T>C (p.Val418Ala)

Gene: PIGN (phosphatidylinositol glycan anchor biosynthesis class N; minus strand). Cytogenetic location: 18q21.33.
Variant type: single nucleotide variant.
Coding change: c.1253T>C on transcript NM_176787.5 (MANE Select); coding-DNA position 1253, T replaced by C.
Protein change: p.Val418Ala; replaces valine 418 with alanine.
Molecular consequence: missense variant.
Genome position (GRCh38, 1-based): chr18:62,113,315, A>G on the plus strand (T>C on the coding strand, the complement: PIGN is on the minus strand). VCF-style: chr18-62113315-A-G. GRCh37 (hg19) VCF-style: chr18-59780548-A-G.
Other names: c.1253T>C, p.Val418Ala (NM_012327.6); short protein forms V418A.
Identifiers: ClinVar variation 1383509 (VCV001383509.6), dbSNP rs2146580404, ClinGen allele CA402606041.